The following is an entry in ClinVar:

NM_033305.3(VPS13A):c.2252_2253insGA (p.Lys752fs)

Gene: VPS13A (vacuolar protein sorting 13 homolog A; plus strand). Cytogenetic location: 9q21.2.
Variant type: Insertion.
Coding change: c.2252_2253insGA on transcript NM_033305.3 (MANE Select); coding-DNA positions 2252 to 2253, GA inserted.
Protein change: p.Lys752fs; shifts the reading frame from lysine 752.
Molecular consequence: frameshift variant.
Genome position: GRCh38 VCF-style: chr9-77252316-C-CGA. GRCh37 (hg19) VCF-style: chr9-79867232-C-CGA.
Other names: c.2252_2253insGA, p.Lys752fs (NM_001018037.2, NM_001018038.3, NM_015186.4); short protein forms K752fs.
Identifiers: ClinVar variation 930135 (VCV000930135.10), dbSNP rs1825188183, ClinGen allele CA1139660996.

ClinVar aggregate classification (germline): Pathogenic/Likely pathogenic. Review status: criteria provided, multiple submitters, no conflicts (2 of 4 stars). 2 submissions from 2 submitters: Pathogenic (1); Likely pathogenic (1). Last evaluated 2021-05-31.

Conditions:
VPS13A-related neurodegenerative disease. Also called: VPS13A Disease; Choreaacanthocytosis; Chorea-acanthocytosis; LEVINE-CRITCHLEY SYNDROME; Choreoacanthocytosis; ACANTHOCYTOSIS WITH NEUROLOGIC DISORDER. Identifiers: Orphanet 2388, MedGen C0393576, MONDO:0008695, OMIM 200150.

Submissions (2):

Labcorp Genetics (formerly Invitae), Labcorp
Classification: Pathogenic. Last evaluated: 2021-05-31. Review status: criteria provided, single submitter. Criteria: Invitae Variant Classification Sherloc (09022015). Collection method: clinical testing. Allele origin: germline.
Comment: For these reasons, this variant has been classified as Pathogenic. This variant has not been reported in the literature in individuals with VPS13A-related conditions. ClinVar contains an entry for this variant (Variation ID: 930135). This variant is not present in population databases (ExAC no frequency). This sequence change creates a premature translational stop signal (p.Lys752Ilefs*9) in the VPS13A gene. It is expected to result in an absent or disrupted protein product. Loss-of-function variants in VPS13A are known to be pathogenic (PMID: 12404112, 21598378).

Laboratory for Molecular Medicine, Mass General Brigham Personalized Medicine
Classification: Likely pathogenic for VPS13A-related neurodegenerative disease. Last evaluated: 2019-08-02. Review status: criteria provided, single submitter. Criteria: LMM Criteria. Collection method: clinical testing. Allele origin: germline. Observed: 1 variant allele.
Comment: The p.Lys752IlefsX9 variant in VPS13A has not been reported in individuals with chorea-acanthocytosis and was absent from large population studies. This variant is predicted to cause a frameshift, which alters the proteinâ€™s amino acid sequence beginning at position 752 and leads to a premature termination codon 9 amino acids downstream. This alteration is then predicted to lead to a truncated or absent protein. Loss of function of the VPS13A gene is an established disease mechanism in autosomal recessive chorea-acanthocytosis. In summary, although additional studies are required to fully establish its clinical significance, this variant meets criteria to be classified as likely pathogenic for autosomal recessive chorea-acanthocytosis. ACMG/AMP criteria applied: PVS1, PM2.

Literature cited by the submitters: PubMed 12404112 (cited by Labcorp Genetics (formerly Invitae), Labcorp); PubMed 21598378 (cited by Labcorp Genetics (formerly Invitae), Labcorp).